The following is an entry in ClinVar:

NM_024844.5(NUP85):c.1430C>T (p.Ala477Val)

Genes: NUP85 (nucleoporin 85; plus strand), GGA3 (golgi associated, gamma adaptin ear containing, ARF binding protein 3; minus strand). Cytogenetic location: 17q25.1.
Variant type: single nucleotide variant.
Coding change: c.1430C>T on transcript NM_024844.5 (MANE Select); coding-DNA position 1430, C replaced by T.
Protein change: p.Ala477Val; replaces alanine 477 with valine.
Molecular consequence: missense variant.
Genome position (GRCh38, 1-based): chr17:75,232,884, C>T. VCF-style: chr17-75232884-C-T. GRCh37 (hg19) VCF-style: chr17-73228979-C-T.
Other names: c.1292C>T, p.Ala431Val (NM_001303276.2); c.1295C>T, p.Ala432Val (NM_001330472.2); short protein forms A477V, A431V, A432V.
Identifiers: ClinVar variation 590315 (VCV000590315.2), dbSNP rs1568094661, ClinGen allele CA400988934.

ClinVar aggregate classification (germline): Uncertain significance. Review status: criteria provided, single submitter (1 of 4 stars). 2 submissions from 2 submitters: Uncertain significance (1). 1 of the submissions does not count toward it. Last evaluated 2019-01-10.

Conditions:
Nephrotic syndrome, type 17. Identifiers: MedGen C4748545, MONDO:0032580, OMIM 618176.

Submissions (2):

SIB Swiss Institute of Bioinformatics
Classification: Uncertain significance for Nephrotic syndrome, type 17. Last evaluated: 2019-01-10. Review status: criteria provided, single submitter. Criteria: ACMG Guidelines, 2015. Collection method: curation. Allele origin: unknown.
Comment: This variant is interpreted as a Uncertain significance for Nephrotic syndrome 17, autosomal recessive. The following ACMG Tag(s) were applied: PM2 => Absent from controls (or at extremely low frequency if recessive) in Exome Sequencing Project, 1000 Genomes Project, or Exome Aggregation Consortium. PP3 => Multiple lines of computational evidence support a deleterious effect on the gene or gene product.

ClinGen:CA400988934

OMIM
Classification: Pathogenic for NEPHROTIC SYNDROME, TYPE 17. Last evaluated: 2018-11-12. Review status: no assertion criteria provided. Collection method: literature only. Allele origin: germline. Not counted in ClinVar's aggregate classification.

Literature cited by the submitters: PubMed 30179222 (cited by SIB Swiss Institute of Bioinformatics and OMIM).